The following is an entry in ClinVar:

NM_001039141.3(TRIOBP):c.5488-14C>T

Genes: TRIOBP (TRIO and F-actin binding protein; plus strand), LOC126863145 (CDK7 strongly-dependent group 2 enhancer GRCh37_chr22:38150829-38152028; plus strand). Cytogenetic location: 22q13.1.
Variant type: single nucleotide variant.
Coding change: c.5488-14C>T on transcript NM_001039141.3 (MANE Select); 14 bases into the intron before coding-DNA position 5488, C replaced by T.
Molecular consequence: intron variant.
Genome position (GRCh38, 1-based): chr22:37,755,087, C>T. VCF-style: chr22-37755087-C-T. GRCh37 (hg19) VCF-style: chr22-38151094-C-T.
Other names: c.349-14C>T (NM_007032.5, NM_138632.2).
Identifiers: ClinVar variation 228037 (VCV000228037.5), dbSNP rs748722151, ClinGen allele CA10224714.

ClinVar aggregate classification (germline): Likely benign (1 of 4 stars; one submission).

Allele frequency attached by ClinVar (database versions not stated): gnomAD 0.00001; TOPMed 0.00001.
gnomAD v4.1: 51 of 1,612,048 alleles (0.0032%); highest among the groups gnomAD compares: Non-Finnish European, 0.0042%; no homozygotes.

Submission:

Laboratory for Molecular Medicine, Mass General Brigham Personalized Medicine
Classification: Likely benign. Last evaluated: 2015-06-18. Review status: criteria provided, single submitter. Criteria: LMM Criteria. Collection method: clinical testing. Allele origin: germline. Observed: 1 variant allele.
Comment: c.5488-14C>T in intron 13 of TRIOBP: This variant is not expected to have clini cal significance because a C>T change at this position does not diverge from the splice consensus and is therefore unlikely to impact splicing. It has been iden tified in 1/60166 European chromosomes and in 1/9224 African chromosomes by the Exome Aggregation Consortium Sequencing Project (ExAC).